The following is an entry in ClinVar:

ClinVar aggregate classification (germline): Benign. Review status: criteria provided, multiple submitters, no conflicts (2 of 4 stars). 7 submissions from 7 submitters: Benign (7). Last evaluated 2026-01-22.

Conditions:
Autosomal dominant nonsyndromic hearing loss 4A. Also called: Deafness, autosomal dominant 4A. Identifiers: Orphanet 90635, MedGen C1833503, MONDO:0010915, OMIM 600652.

Allele frequency attached by ClinVar (database versions not stated): ESP Exome Variant Server 0.00024; gnomAD 0.00248 and 0.00344; gnomAD exomes 0.00292 and 0.00638; TOPMed 0.00410; ExAC 0.00632; 1000 Genomes Project 30x 0.01671; 1000 Genomes Project 0.01877.
gnomAD v4.1: 4,935 of 1,613,822 alleles (0.31%); highest among the groups gnomAD compares: East Asian, 8.9%; 201 homozygotes.

Submissions (7):

Labcorp Genetics (formerly Invitae), Labcorp
Classification: Benign. Last evaluated: 2026-01-22. Review status: criteria provided, single submitter. Criteria: Invitae Variant Classification Sherloc (09022015). Collection method: clinical testing. Allele origin: germline.

ARUP Laboratories, Molecular Genetics and Genomics, ARUP Laboratories
Classification: Benign. Last evaluated: 2020-07-02. Review status: criteria provided, single submitter. Criteria: ARUP Molecular Germline Variant Investigation Process. Collection method: clinical testing. Allele origin: germline.

Mayo Clinic Laboratories, Mayo Clinic
Classification: Benign. Last evaluated: 2020-05-14. Review status: criteria provided, single submitter. Criteria: ACMG Guidelines, 2015. Collection method: clinical testing. Allele origin: germline. Observed: 2 variant alleles.

Illumina Laboratory Services, Illumina
Classification: Benign for Autosomal dominant nonsyndromic hearing loss 4A. Last evaluated: 2018-01-12. Review status: criteria provided, single submitter. Criteria: ICSL Variant Classification Criteria 13 December 2019. Collection method: clinical testing. Allele origin: germline.
Comment: This variant was observed in the ICSL laboratory as part of a predisposition screen in an ostensibly healthy population. It had not been previously curated by ICSL or reported in the Human Gene Mutation Database (HGMD: prior to June 1st, 2018), and was therefore a candidate for classification through an automated scoring system. Utilizing variant allele frequency, disease prevalence and penetrance estimates, and inheritance mode, an automated score was calculated to assess if this variant is too frequent to cause the disease. Based on the score and internal cut-off values, a variant classified as benign is not then subjected to further curation. The score for this variant resulted in a classification of benign for this disease.

GeneDx
Classification: Benign. Last evaluated: 2017-09-26. Review status: criteria provided, single submitter. Criteria: GeneDx Variant Classification (06012015). Collection method: clinical testing. Allele origin: germline. Affected: yes.
Comment: This variant is considered likely benign or benign based on one or more of the following criteria: it is a conservative change, it occurs at a poorly conserved position in the protein, it is predicted to be benign by multiple in silico algorithms, and/or has population frequency not consistent with disease.

Laboratory for Molecular Medicine, Mass General Brigham Personalized Medicine
Classification: Benign. Last evaluated: 2015-05-27. Review status: criteria provided, single submitter. Criteria: LMM Criteria. Collection method: clinical testing. Allele origin: germline. Observed: 12 variant alleles.
Comment: p.Ser1843Ser in exon 40 of MYH14: This variant is not expected to have clinical significance because it does not alter an amino acid residue, is not located wit hin the splice consensus sequence, and has been identified in 8.09% (697/8616; 2 6 homozygotes) of East Asian chromosomes by the Exome Aggregation Consortium (Ex AC; dbSNP rs12610591).

Breakthrough Genomics
Classification: Benign. Review status: criteria provided, single submitter. Criteria: ACMG Guidelines, 2015. Collection method: not provided. Allele origin: germline. Inheritance: Autosomal dominant inheritance. Affected: yes.

NM_001145809.2(MYH14):c.5529C>T (p.Ser1843=)

Gene: MYH14 (myosin heavy chain 14; plus strand). Cytogenetic location: 19q13.33.
Variant type: single nucleotide variant.
Coding change: c.5529C>T on transcript NM_001145809.2 (MANE Select); coding-DNA position 5529, C replaced by T.
Protein change: p.Ser1843=; no amino-acid change (serine 1843 retained).
Molecular consequence: synonymous variant.
Genome position (GRCh38, 1-based): chr19:50,301,720, C>T. VCF-style: chr19-50301720-C-T. GRCh37 (hg19) VCF-style: chr19-50804977-C-T.
Other names: p.Ser1802=; c.5430C>T, p.Ser1810= (NM_001077186.2); c.5406C>T, p.Ser1802= (NM_024729.4).
Identifiers: ClinVar variation 226746 (VCV000226746.27), dbSNP rs12610591, ClinGen allele CA9593837.
Genomic context (GRCh38, chr19:50,301,720, plus strand): 5'-GGTAGAGTCACTGACCACAGAGCTGTCAGCTGAGCGCAGTTTCTCAGCCAAGGCAGAGAG[C>T]GGGCGGCAGCAGCTGGAACGGCAGATCCAGGAGCTACGGGGACGCCTGGGTGAGGAGGAT-3'
Protein context (NP_001139281.1, residues 1833-1853): AERSFSAKAE[Ser1843=]GRQQLERQIQ